The following is an entry in ClinVar:

ClinVar aggregate classification (germline): Likely pathogenic (1 of 4 stars; one submission).

Conditions:
Dilated cardiomyopathy 1G (CMD1G). Identifiers: Orphanet 154, MedGen C1858763, MONDO:0011400, OMIM 604145.
Autosomal recessive limb-girdle muscular dystrophy type 2J (LGMDR10). Also called: Limb-girdle muscular dystrophy, type 2J; MUSCULAR DYSTROPHY, LIMB-GIRDLE, AUTOSOMAL RECESSIVE 10. Identifiers: Orphanet 140922, MedGen C1837342, MONDO:0012127, OMIM 608807.

Allele frequency attached by ClinVar (database versions not stated): gnomAD exomes below 0.00001.
gnomAD v4.1: 1 of 1,613,844 alleles (0.000062%); highest among the groups gnomAD compares: Non-Finnish European, 0.000085%; no homozygotes.

Submission:

Labcorp Genetics (formerly Invitae), Labcorp
Classification: Likely pathogenic for Dilated cardiomyopathy 1G; Autosomal recessive limb-girdle muscular dystrophy type 2J. Last evaluated: 2024-10-18. Review status: criteria provided, single submitter. Criteria: Invitae Variant Classification Sherloc (09022015). Collection method: clinical testing. Allele origin: germline.
Comment: This sequence change creates a premature translational stop signal (p.Tyr4482*) in the TTN gene. While this is not anticipated to result in nonsense mediated decay, it is expected to create a truncated TTN protein. This variant is not present in population databases (gnomAD no frequency). This variant has not been reported in the literature in individuals affected with TTN-related conditions. Experimental studies and prediction algorithms are not available or were not evaluated, and the functional significance of this variant is currently unknown. This variant is located in the I band of TTN (PMID: 25589632). Truncating variants in this region have been reported in individuals affected with autosomal recessive centronuclear myopathy (PMID: 23975875, internal data). Truncating variants in this region have also been identified in individuals affected with autosomal dominant dilated cardiomyopathy and/or cardio-related conditions (PMID: 27869827, 32964742, internal data). In summary, the currently available evidence indicates that the variant is pathogenic, but additional data are needed to prove that conclusively. Therefore, this variant has been classified as Likely Pathogenic.

Literature cited by the submitters: PubMed 25589632; PubMed 23975875; PubMed 27869827; PubMed 32964742.

NM_001267550.2(TTN):c.13446T>A (p.Tyr4482Ter)

Gene: TTN (titin; minus strand). Cytogenetic location: 2q31.2.
Variant type: single nucleotide variant.
Coding change: c.13446T>A on transcript NM_001267550.2 (MANE Select); coding-DNA position 13446, T replaced by A.
Protein change: p.Tyr4482Ter; replaces tyrosine 4482 with a stop codon.
Molecular consequence: nonsense. On other transcripts: intron variant (1).
Genome position (GRCh38, 1-based): chr2:178,739,787, A>T on the plus strand (T>A on the coding strand, the complement: TTN is on the minus strand). VCF-style: chr2-178739787-A-T. GRCh37 (hg19) VCF-style: chr2-179604514-A-T.
Other names: c.12495T>A, p.Tyr4165Ter (NM_001256850.1); c.12357T>A, p.Tyr4119Ter (NM_003319.4); c.12732T>A, p.Tyr4244Ter (NM_133432.3); c.12933T>A, p.Tyr4311Ter (NM_133437.4); c.10361-1427T>A (NM_133378.4); short protein forms Y4482*, Y4119*, Y4244*, Y4165*, Y4311*.
Identifiers: ClinVar variation 2946334 (VCV002946334.3), dbSNP rs1574070639, ClinGen allele CA349607916.